The following is an entry in ClinVar:

NM_000518.5(HBB):c.100G>A (p.Val34Met)

Genes: HBB (hemoglobin subunit beta; minus strand), LOC106099062 (HBB recombination region; plus strand), LOC107133510 (origin of replication at HBB; plus strand). Cytogenetic location: 11p15.4.
Variant type: single nucleotide variant.
Coding change: c.100G>A on transcript NM_000518.5 (MANE Select); coding-DNA position 100, G replaced by A.
Protein change: p.Val34Met; replaces valine 34 with methionine.
Molecular consequence: missense variant.
Genome position (GRCh38, 1-based): chr11:5,226,792, C>T on the plus strand (G>A on the coding strand, the complement: HBB is on the minus strand). VCF-style: chr11-5226792-C-T. GRCh37 (hg19) VCF-style: chr11-5248022-C-T.
Other names: short protein forms V34M.
Identifiers: ClinVar variation 15566 (VCV000015566.3), dbSNP rs1141370, ClinGen allele CA125456.

ClinVar aggregate classification (germline): Uncertain significance. Review status: criteria provided, single submitter (1 of 4 stars). 2 submissions from 2 submitters: Uncertain significance (1). 1 of the submissions does not count toward it. Last evaluated 2017-11-27.

Conditions:
HEMOGLOBIN RIO CLARO.

Submissions (2):

Women's Health and Genetics/Laboratory Corporation of America, LabCorp
Classification: Uncertain significance. Last evaluated: 2017-11-27. Review status: criteria provided, single submitter. Criteria: LabCorp Variant Classification Summary - May 2015. Collection method: clinical testing. Allele origin: germline.
Comment: Variant summary: The HBB c.100G>A (p.Val34Met) variant (also known as Hb Rio Claro) involves the alteration of a non-conserved nucleotide and is predicted to be damaging by 2/3 in silico tools (SNPsandGO and Mutation taster not captured due to low reliability index). This variant is absent in 246118 control chromosomes (gnomAD). Hematologically, the child had no anemia and presented with only mild microcytosis and hypochromia, probably resulting from the presence of the alfa-thal. The mother had moderate microcytic and hypochromic anemia resulting from a concomitant iron deficiency. Tests for Hb stability were performed by incubation at 50C and by the isopropanol test and this Hb variant was found to have normal stability. Because of limited information available, the variant is classified as a variant of uncertain significance (VUS) until additional information becomes available.

OMIM
Classification: other for HEMOGLOBIN RIO CLARO. Last evaluated: 2017-12-12. Review status: no assertion criteria provided. Collection method: literature only. Allele origin: germline. Not counted in ClinVar's aggregate classification.

Literature cited by the submitters: PubMed 10335985 (cited by Women's Health and Genetics/Laboratory Corporation of America, LabCorp and OMIM).